The following is an entry in ClinVar:

ClinVar aggregate classification (germline): Uncertain significance. Review status: criteria provided, multiple submitters, no conflicts (2 of 4 stars). 4 submissions from 4 submitters: Uncertain significance (4). Last evaluated 2023-04-26.

Conditions:
Cornelia de Lange syndrome 1 (CDLS1). Also called: Brachmann de Lange syndrome; NIPBL-Related Cornelia de Lange Syndrome; TYPUS DEGENERATIVUS AMSTELODAMENSIS. Identifiers: Orphanet 199, MedGen C4551851, MONDO:0007387, OMIM 122470.

Allele frequency attached by ClinVar (database versions not stated): gnomAD exomes 0.00001; ExAC 0.00002; gnomAD 0.00003.
gnomAD v4.1: 62 of 1,613,672 alleles (0.0038%); highest among the groups gnomAD compares: Non-Finnish European, 0.0048%; no homozygotes.

Submissions (4):

Labcorp Genetics (formerly Invitae), Labcorp
Classification: Uncertain significance for Cornelia de Lange syndrome 1. Last evaluated: 2023-04-26. Review status: criteria provided, single submitter. Criteria: Invitae Variant Classification Sherloc (09022015). Collection method: clinical testing. Allele origin: germline.
Comment: This sequence change replaces asparagine, which is neutral and polar, with tyrosine, which is neutral and polar, at codon 689 of the NIPBL protein (p.Asn689Tyr). This variant is present in population databases (rs201482152, gnomAD 0.003%). This variant has not been reported in the literature in individuals affected with NIPBL-related conditions. ClinVar contains an entry for this variant (Variation ID: 159044). Advanced modeling of protein sequence and biophysical properties (such as structural, functional, and spatial information, amino acid conservation, physicochemical variation, residue mobility, and thermodynamic stability) has been performed at Invitae for this missense variant, however the output from this modeling did not meet the statistical confidence thresholds required to predict the impact of this variant on NIPBL protein function. In summary, the available evidence is currently insufficient to determine the role of this variant in disease. Therefore, it has been classified as a Variant of Uncertain Significance.

Genome-Nilou Lab
Classification: Uncertain significance for Cornelia de Lange syndrome 1. Last evaluated: 2021-07-15. Review status: criteria provided, single submitter. Criteria: ACMG Guidelines, 2015. Collection method: clinical testing. Allele origin: germline. Affected: no.

Illumina Laboratory Services, Illumina
Classification: Uncertain significance for Cornelia de Lange syndrome 1. Last evaluated: 2018-01-12. Review status: criteria provided, single submitter. Criteria: ICSL Variant Classification Criteria 13 December 2019. Collection method: clinical testing. Allele origin: germline.

Genetic Services Laboratory, University of Chicago
Classification: Uncertain significance for Cornelia de Lange syndrome 1. Last evaluated: 2013-02-08. Review status: criteria provided, single submitter. Criteria: ACMG Guidelines, 2007. Collection method: clinical testing. Allele origin: germline. Inheritance: Autosomal dominant inheritance.

NM_133433.4(NIPBL):c.2065A>T (p.Asn689Tyr)

Gene: NIPBL (NIPBL cohesin loading factor; plus strand). Cytogenetic location: 5p13.2.
Variant type: single nucleotide variant.
Coding change: c.2065A>T on transcript NM_133433.4 (MANE Select); coding-DNA position 2065, A replaced by T.
Protein change: p.Asn689Tyr; replaces asparagine 689 with tyrosine.
Molecular consequence: missense variant.
Genome position (GRCh38, 1-based): chr5:36,985,245, A>T. VCF-style: chr5-36985245-A-T. GRCh37 (hg19) VCF-style: chr5-36985347-A-T.
Other names: c.2065A>T, p.Asn689Tyr (NM_015384.5); short protein forms N689Y.
Identifiers: ClinVar variation 159044 (VCV000159044.14), dbSNP rs201482152, ClinGen allele CA271992.
Genomic context (GRCh38, chr5:36,985,245, plus strand): 5'-GTTGAGCCTAAACAAAATGAAAATAGACTGTCTGACACAAAACCAAATGACAACAAACAA[A>T]ATAATGGCAGATCAGAAACAACAAAATCAAGGCCTGAAACCCCAAAGCAAAAGGGTGAAA-3'
Protein context (NP_597677.2, residues 679-699): SDTKPNDNKQ[Asn689Tyr]NGRSETTKSR